The following is an entry in ClinVar:

ClinVar aggregate classification (germline): Uncertain significance (1 of 4 stars; one submission).

Submission:

Labcorp Genetics (formerly Invitae), Labcorp
Classification: Uncertain significance. Last evaluated: 2025-11-18. Review status: criteria provided, single submitter. Criteria: Invitae Variant Classification Sherloc (09022015). Collection method: clinical testing. Allele origin: germline.
Comment: This sequence change replaces alanine, which is neutral and non-polar, with glycine, which is neutral and non-polar, at codon 251 of the RIMS1 protein (p.Ala251Gly). This variant is not present in population databases (gnomAD no frequency). This variant has not been reported in the literature in individuals affected with RIMS1-related conditions. An algorithm developed to predict the effect of missense changes on protein structure and function (PolyPhen-2) suggests that this variant is likely to be tolerated. In summary, the available evidence is currently insufficient to determine the role of this variant in disease. Therefore, it has been classified as a Variant of Uncertain Significance.

NM_014989.7(RIMS1):c.752C>G (p.Ala251Gly)

Gene: RIMS1 (regulating synaptic membrane exocytosis 1; plus strand). Cytogenetic location: 6q13.
Variant type: single nucleotide variant.
Coding change: c.752C>G on transcript NM_014989.7 (MANE Select); coding-DNA position 752, C replaced by G.
Protein change: p.Ala251Gly; replaces alanine 251 with glycine.
Molecular consequence: missense variant.
Genome position (GRCh38, 1-based): chr6:72,179,855, C>G. VCF-style: chr6-72179855-C-G. GRCh37 (hg19) VCF-style: chr6-72889558-C-G.
Other names: short protein forms A251G.
Identifiers: ClinVar variation 4730956 (VCV004730956.1).